The following is an entry in ClinVar:

ClinVar aggregate classification (germline): Uncertain significance. Review status: criteria provided, multiple submitters, no conflicts (2 of 4 stars). 2 submissions from 2 submitters: Uncertain significance (2). Last evaluated 2024-10-18.

Conditions:
Seizures, benign familial neonatal, 2. Also called: Benign Neonatal Epilepsy 2; CONVULSIONS, BENIGN FAMILIAL NEONATAL, 2; Seizures, benign neonatal, 2; KCNQ3-Related Benign Familial Neonatal Epilepsy; KCNQ3-Related Self-Limited Familial Neonatal Epilepsy (SLFNE). Identifiers: Orphanet 1949, MedGen C1852581, MONDO:0007366, OMIM 121201.
Benign neonatal seizures. Also called: Benign familial neonatal seizures; Benign neonatal familial convulsions; Convulsions benign familial neonatal dominant form; Autosomal dominant form of benign neonatal seizures; Benign familial neonatal epilepsy. Identifiers: Orphanet 1949, MedGen C0220669, MONDO:0016027.

Allele frequency attached by ClinVar (database versions not stated): gnomAD 0.00001; gnomAD exomes below 0.00001.

Submissions (2):

Labcorp Genetics (formerly Invitae), Labcorp
Classification: Uncertain significance for Benign neonatal seizures. Last evaluated: 2024-10-18. Review status: criteria provided, single submitter. Criteria: Invitae Variant Classification Sherloc (09022015). Collection method: clinical testing. Allele origin: germline.
Comment: This sequence change replaces glycine, which is neutral and non-polar, with arginine, which is basic and polar, at codon 24 of the KCNQ3 protein (p.Gly24Arg). This variant is not present in population databases (gnomAD no frequency). This variant has not been reported in the literature in individuals affected with KCNQ3-related conditions. ClinVar contains an entry for this variant (Variation ID: 1062443). Invitae Evidence Modeling of protein sequence and biophysical properties (such as structural, functional, and spatial information, amino acid conservation, physicochemical variation, residue mobility, and thermodynamic stability) indicates that this missense variant is not expected to disrupt KCNQ3 protein function with a negative predictive value of 95%. In summary, the available evidence is currently insufficient to determine the role of this variant in disease. Therefore, it has been classified as a Variant of Uncertain Significance.

Fulgent Genetics
Classification: Uncertain significance for Seizures, benign familial neonatal, 2. Last evaluated: 2024-04-03. Review status: criteria provided, single submitter. Criteria: ACMG Guidelines, 2015. Collection method: clinical testing. Allele origin: germline.

NM_004519.4(KCNQ3):c.70G>A (p.Gly24Arg)

Gene: KCNQ3 (potassium voltage-gated channel subfamily Q member 3; minus strand). Cytogenetic location: 8q24.22.
Variant type: single nucleotide variant.
Coding change: c.70G>A on transcript NM_004519.4 (MANE Select); coding-DNA position 70, G replaced by A.
Protein change: p.Gly24Arg; replaces glycine 24 with arginine.
Molecular consequence: missense variant.
Genome position (GRCh38, 1-based): chr8:132,480,463, C>T on the plus strand (G>A on the coding strand, the complement: KCNQ3 is on the minus strand). VCF-style: chr8-132480463-C-T. GRCh37 (hg19) VCF-style: chr8-133492710-C-T.
Other names: short protein forms G24R.
Identifiers: ClinVar variation 1062443 (VCV001062443.10), dbSNP rs1822526218, ClinGen allele CA372292956.